The following is an entry in ClinVar:

ClinVar aggregate classification (germline): Uncertain significance (1 of 4 stars; one submission).

Conditions:
Kabuki syndrome. Also called: NIIKAWA-KUROKI SYNDROME; Kabuki make-up syndrome. Identifiers: Orphanet 2322, MedGen C0796004, MONDO:0016512.

Submission:

Labcorp Genetics (formerly Invitae), Labcorp
Classification: Uncertain significance for Kabuki syndrome. Last evaluated: 2023-02-24. Review status: criteria provided, single submitter. Criteria: Invitae Variant Classification Sherloc (09022015). Collection method: clinical testing. Allele origin: germline.
Comment: This variant has not been reported in the literature in individuals affected with KMT2D-related conditions. This variant is not present in population databases (gnomAD no frequency). This variant, c.2196_2267del, results in the deletion of 24 amino acid(s) of the KMT2D protein (p.Gln733_Pro756del), but otherwise preserves the integrity of the reading frame. ClinVar contains an entry for this variant (Variation ID: 1430930). In summary, the available evidence is currently insufficient to determine the role of this variant in disease. Therefore, it has been classified as a Variant of Uncertain Significance. Experimental studies and prediction algorithms are not available or were not evaluated, and the functional significance of this variant is currently unknown.

NM_003482.4(KMT2D):c.2196_2267del (p.Gln733_Pro756del)

Gene: KMT2D (lysine methyltransferase 2D; minus strand). Cytogenetic location: 12q13.12.
Variant type: Deletion.
Coding change: c.2196_2267del on transcript NM_003482.4 (MANE Select); coding-DNA positions 2196 to 2267, 72 bases deleted.
Protein change: p.Gln733_Pro756del.
Molecular consequence: inframe deletion.
Genome position (GRCh38, 1-based): chr12:49,051,416-49,051,487, 72 bases deleted. GRCh37 (hg19): chr12:49,445,202-49,445,273.
Identifiers: ClinVar variation 1430930 (VCV001430930.8), dbSNP rs2120669803, ClinGen allele CA947430814.